The following is an entry in ClinVar:

NM_017433.5(MYO3A):c.2951G>A (p.Arg984Gln)

Gene: MYO3A (myosin IIIA; plus strand). Cytogenetic location: 10p12.1.
Variant type: single nucleotide variant.
Coding change: c.2951G>A on transcript NM_017433.5 (MANE Select); coding-DNA position 2951, G replaced by A.
Protein change: p.Arg984Gln; replaces arginine 984 with glutamine.
Molecular consequence: missense variant.
Genome position (GRCh38, 1-based): chr10:26,157,467, G>A. VCF-style: chr10-26157467-G-A. GRCh37 (hg19) VCF-style: chr10-26446396-G-A.
Other names: short protein forms R984Q.
Identifiers: ClinVar variation 1308508 (VCV001308508.4), dbSNP rs767330393, ClinGen allele CA5445111.
Genomic context (GRCh38, chr10:26,157,467, plus strand): 5'-ACAAAGAGAAAGTTCTGCTACAGCTTCGGTACACAGGAATTCTGGAAACAGCAAGAATTC[G>A]AAGACTAGGATTCTCCCATCGGATACTTTTTGCTAACTTTATAAAGCGGTATGTGGATTT-3'
Protein context (NP_059129.3, residues 974-994): YTGILETARI[Arg984Gln]RLGFSHRILF

ClinVar aggregate classification (germline): Uncertain significance. Review status: criteria provided, multiple submitters, no conflicts (2 of 4 stars). 2 submissions from 2 submitters: Uncertain significance (2). Last evaluated 2024-05-18.

Allele frequency attached by ClinVar (database versions not stated): gnomAD 0.00001; gnomAD exomes 0.00001 and 0.00002; TOPMed 0.00002.
gnomAD v4.1: 19 of 1,613,992 alleles (0.0012%); highest among the groups gnomAD compares: Middle Eastern, 0.016%; no homozygotes.

Submissions (2):

Labcorp Genetics (formerly Invitae), Labcorp
Classification: Uncertain significance. Last evaluated: 2024-05-18. Review status: criteria provided, single submitter. Criteria: Invitae Variant Classification Sherloc (09022015). Collection method: clinical testing. Allele origin: germline.
Comment: This sequence change replaces arginine, which is basic and polar, with glutamine, which is neutral and polar, at codon 984 of the MYO3A protein (p.Arg984Gln). This variant is present in population databases (rs767330393, gnomAD 0.006%). This variant has not been reported in the literature in individuals affected with MYO3A-related conditions. ClinVar contains an entry for this variant (Variation ID: 1308508). Advanced modeling of protein sequence and biophysical properties (such as structural, functional, and spatial information, amino acid conservation, physicochemical variation, residue mobility, and thermodynamic stability) performed at Invitae indicates that this missense variant is not expected to disrupt MYO3A protein function with a negative predictive value of 80%. In summary, the available evidence is currently insufficient to determine the role of this variant in disease. Therefore, it has been classified as a Variant of Uncertain Significance.

GeneDx
Classification: Uncertain significance. Last evaluated: 2019-04-11. Review status: criteria provided, single submitter. Criteria: GeneDx Variant Classification Process June 2021. Collection method: clinical testing. Allele origin: germline. Affected: yes.
Comment: In silico analysis, which includes protein predictors and evolutionary conservation, supports a deleterious effect; Has not been previously published as pathogenic or benign to our knowledge